The following is an entry in ClinVar:

ClinVar aggregate classification (germline): Conflicting classifications of pathogenicity. Review status: criteria provided, conflicting classifications (1 of 4 stars). 4 submissions from 4 submitters: Uncertain significance (1); Likely benign (3). Last evaluated 2026-05-11.

Conditions:
Familial cancer of breast. Also called: hereditary breast carcinoma; BREAST CANCER, FAMILIAL; Hereditary breast cancer. Identifiers: Orphanet 227535, MedGen C0346153, MONDO:0016419, OMIM 114480. Disease mechanism: loss of function.
Hereditary cancer-predisposing syndrome. Also called: Neoplastic Syndromes, Hereditary; Hereditary neoplastic syndrome; Hereditary Cancer Syndrome; Tumor predisposition. Identifiers: Orphanet 140162, MedGen C0027672, MeSH D009386, MONDO:0015356.

Allele frequency attached by ClinVar (database versions not stated): TOPMed 0.00003.

Submissions (4):

Women's Health and Genetics/Laboratory Corporation of America, LabCorp
Classification: Likely benign. Last evaluated: 2026-05-11. Review status: criteria provided, single submitter. Criteria: LabCorp Variant Classification Summary - May 2015. Collection method: clinical testing. Allele origin: germline.
Comment: Variant summary: CHEK2 c.320-5T>C alters a conserved nucleotide located at a position not widely known to affect splicing. Consensus agreement among computation tools predict no significant impact on normal splicing. However, these predictions have yet to be confirmed by functional studies. The variant was absent in 250794 control chromosomes. The available data on variant occurrences in the general population are insufficient to allow any conclusion about variant significance.320-5T>C has been observed in one individual affected with Triple-Negative Breast Cancer, without strong evidence for causality (Guglielmi_2021). These report(s) do not provide unequivocal conclusions about association of the variant with Hereditary Breast And Ovarian Cancer Syndrome. To our knowledge, no experimental evidence demonstrating an impact on protein function has been reported. The following publications have been ascertained in the context of this evaluation (PMID: 34299313, 36521553). ClinVar contains an entry for this variant (Variation ID: 483404). Based on the evidence outlined above, the variant was classified as likely benign.

Myriad Genetics, Inc.
Classification: Likely benign for Familial cancer of breast. Last evaluated: 2024-10-02. Review status: criteria provided, single submitter. Criteria: Myriad Autosomal Dominant, Autosomal Recessive and X-Linked Classification Criteria (2023). Collection method: clinical testing. Allele origin: unknown.
Comment: This variant is considered likely benign. This variant is intronic and is not expected to impact mRNA splicing.

Ambry Genetics
Classification: Uncertain significance for Hereditary cancer-predisposing syndrome. Last evaluated: 2024-08-29. Review status: criteria provided, single submitter. Criteria: Ambry Variant Classification Scheme 2023. Collection method: clinical testing. Allele origin: germline.
Comment: The c.320-5T>C intronic variant results from a T to C substitution 5 nucleotides upstream from coding exon 2 in the CHEK2 gene. This nucleotide position is highly conserved in available vertebrate species. In silico splice site analysis predicts that this alteration will not have any significant effect on splicing; however, direct evidence is insufficient at this time (Ambry internal data). Based on the available evidence, the clinical significance of this variant remains unclear.

Labcorp Genetics (formerly Invitae), Labcorp
Classification: Likely benign for Familial cancer of breast. Last evaluated: 2022-09-26. Review status: criteria provided, single submitter. Criteria: Invitae Variant Classification Sherloc (09022015). Collection method: clinical testing. Allele origin: germline.

Literature cited by the submitters: PubMed 34299313 (cited by Women's Health and Genetics/Laboratory Corporation of America, LabCorp); PubMed 36521553 (cited by Women's Health and Genetics/Laboratory Corporation of America, LabCorp).

NM_007194.4(CHEK2):c.320-5T>C

Gene: CHEK2 (checkpoint kinase 2; minus strand). Cytogenetic location: 22q12.1.
Variant type: single nucleotide variant.
Coding change: c.320-5T>C on transcript NM_007194.4 (MANE Select); 5 bases into the intron before coding-DNA position 320, T replaced by C.
Molecular consequence: intron variant.
Genome position (GRCh38, 1-based): chr22:28,725,372, A>G on the plus strand (T>C on the coding strand, the complement: CHEK2 is on the minus strand). VCF-style: chr22-28725372-A-G. GRCh37 (hg19) VCF-style: chr22-29121360-A-G.
Other names: c.-344-5T>C (NM_001437942.1); c.320-5T>C (NM_001349956.3, NM_145862.3); c.-458-5T>C (NM_001257387.3); c.413-5T>C (NM_001438295.1, NM_001438293.1); c.449-5T>C (NM_001438294.1, NM_001005735.3).
Identifiers: ClinVar variation 483404 (VCV000483404.20), dbSNP rs121908700, ClinGen allele CA658656842.
Genomic context (GRCh38, chr22:28,725,372, plus strand): 5'-AAAGCAATATTCACAGCTTTTGTCCCTCCCAAACCAGTAGTTGTCATTCACACATTCTGT[A>G]ATATAAAAGCATGCATCAGAGGGCTGTTGAATTTCATGTATCAAACGTTTAAAAATTGCT-3'